The following is an entry in ClinVar:

NM_006947.4(SRP72):c.100G>A (p.Val34Ile)

Gene: SRP72 (signal recognition particle 72; plus strand). Cytogenetic location: 4q12.
Variant type: single nucleotide variant.
Coding change: c.100G>A on transcript NM_006947.4 (MANE Select); coding-DNA position 100, G replaced by A.
Protein change: p.Val34Ile; replaces valine 34 with isoleucine.
Molecular consequence: missense variant. On other transcripts: non-coding transcript variant (1).
Genome position (GRCh38, 1-based): chr4:56,467,735, G>A. VCF-style: chr4-56467735-G-A. GRCh37 (hg19) VCF-style: chr4-57333901-G-A.
Other names: c.100G>A, p.Val34Ile (NM_001267722.2); short protein forms V34I.
Identifiers: ClinVar variation 4174992 (VCV004174992.1).

ClinVar aggregate classification (germline): Uncertain significance (1 of 4 stars; one submission).

Submission:

Ambry Genetics
Classification: Uncertain significance. Last evaluated: 2025-09-12. Review status: criteria provided, single submitter. Criteria: Ambry Variant Classification Scheme 2023. Collection method: clinical testing. Allele origin: germline.
Comment: The p.V34I variant (also known as c.100G>A), located in coding exon 1 of the SRP72 gene, results from a G to A substitution at nucleotide position 100. The valine at codon 34 is replaced by isoleucine, an amino acid with highly similar properties. This amino acid position is conserved. In addition, this alteration is predicted to be tolerated by in silico analysis. Based on the available evidence, the clinical significance of this variant remains unclear.